The following is an entry in ClinVar:

ClinVar aggregate classification (germline): Uncertain significance. Review status: criteria provided, multiple submitters, no conflicts (2 of 4 stars). 3 submissions from 3 submitters: Uncertain significance (3). Last evaluated 2026-03-01.

Conditions:
Walker-Warburg congenital muscular dystrophy. Also called: Muscular dystrophy-dystroglycanopathy, type A; Walker-Warburg syndrome. Identifiers: Orphanet 899, MedGen C0265221, MONDO:0000171.
Cardiovascular phenotype. Identifiers: MedGen CN230736.

Allele frequency attached by ClinVar (database versions not stated): gnomAD 0.00001; gnomAD exomes 0.00001.
gnomAD v4.1: 3 of 1,596,182 alleles (0.00019%); highest among the groups gnomAD compares: Admixed American, 0.0034%; no homozygotes.

Submissions (3):

Ambry Genetics
Classification: Uncertain significance for Cardiovascular phenotype. Last evaluated: 2026-03-01. Review status: criteria provided, single submitter. Criteria: Ambry Variant Classification Scheme 2023. Collection method: clinical testing. Allele origin: germline.
Comment: The p.D68A variant (also known as c.203A>C), located in coding exon 1 of the FKRP gene, results from an A to C substitution at nucleotide position 203. The aspartic acid at codon 68 is replaced by alanine, an amino acid with dissimilar properties. This amino acid position is conserved. In addition, this alteration is predicted to be tolerated by in silico analysis. Based on the available evidence, the clinical significance of this variant remains unclear.

Labcorp Genetics (formerly Invitae), Labcorp
Classification: Uncertain significance for Walker-Warburg congenital muscular dystrophy. Last evaluated: 2024-04-29. Review status: criteria provided, single submitter. Criteria: Invitae Variant Classification Sherloc (09022015). Collection method: clinical testing. Allele origin: germline.
Comment: This sequence change replaces aspartic acid, which is acidic and polar, with alanine, which is neutral and non-polar, at codon 68 of the FKRP protein (p.Asp68Ala). This variant is present in population databases (rs779035324, gnomAD 0.007%). This variant has not been reported in the literature in individuals affected with FKRP-related conditions. ClinVar contains an entry for this variant (Variation ID: 1312937). Advanced modeling of protein sequence and biophysical properties (such as structural, functional, and spatial information, amino acid conservation, physicochemical variation, residue mobility, and thermodynamic stability) performed at Invitae indicates that this missense variant is not expected to disrupt FKRP protein function with a negative predictive value of 95%. In summary, the available evidence is currently insufficient to determine the role of this variant in disease. Therefore, it has been classified as a Variant of Uncertain Significance.

GeneDx
Classification: Uncertain significance. Last evaluated: 2020-07-01. Review status: criteria provided, single submitter. Criteria: GeneDx Variant Classification Process June 2021. Collection method: clinical testing. Allele origin: germline. Affected: yes.
Comment: Not observed at a significant frequency in large population cohorts (Lek et al., 2016); Has not been previously published as pathogenic or benign to our knowledge

NM_024301.5(FKRP):c.203A>C (p.Asp68Ala)

Gene: FKRP (fukutin related protein; plus strand). Cytogenetic location: 19q13.32.
Variant type: single nucleotide variant.
Coding change: c.203A>C on transcript NM_024301.5 (MANE Select); coding-DNA position 203, A replaced by C.
Protein change: p.Asp68Ala; replaces aspartic acid 68 with alanine.
Molecular consequence: missense variant.
Genome position (GRCh38, 1-based): chr19:46,755,653, A>C. VCF-style: chr19-46755653-A-C. GRCh37 (hg19) VCF-style: chr19-47258910-A-C.
Other names: c.203A>C, p.Asp68Ala (NM_001039885.3); short protein forms D68A.
Identifiers: ClinVar variation 1312937 (VCV001312937.8), dbSNP rs779035324, ClinGen allele CA9532126.
Genomic context (GRCh38, chr19:46,755,653, plus strand): 5'-GTGTCACCGTCCTGGTGCGGGAGTTCGAGGCATTTGACAACGCGGTGCCCGAGCTGGTAG[A>C]CTCCTTCCTGCAGCAAGACCCAGCCCAGCCCGTGGTGGTGGCAGCCGACACGCTCCCCTA-3'
Protein context (NP_077277.1, residues 58-78): AFDNAVPELV[Asp68Ala]SFLQQDPAQP